The following is an entry in ClinVar:

NM_001267550.2(TTN):c.103381C>G (p.Gln34461Glu)

Genes: TTN (titin; minus strand), TTN-AS1 (TTN antisense RNA 1; plus strand). Cytogenetic location: 2q31.2.
Variant type: single nucleotide variant.
Coding change: c.103381C>G on transcript NM_001267550.2 (MANE Select); coding-DNA position 103381, C replaced by G.
Protein change: p.Gln34461Glu; replaces glutamine 34461 with glutamic acid.
Molecular consequence: missense variant.
Genome position (GRCh38, 1-based): chr2:178,533,234, G>C on the plus strand (C>G on the coding strand, the complement: TTN is on the minus strand). VCF-style: chr2-178533234-G-C. GRCh37 (hg19) VCF-style: chr2-179397961-G-C.
Other names: c.98458C>G, p.Gln32820Glu (NM_001256850.1); c.76186C>G, p.Gln25396Glu (NM_003319.4); c.95677C>G, p.Gln31893Glu (NM_133378.4); c.76561C>G, p.Gln25521Glu (NM_133432.3); c.76762C>G, p.Gln25588Glu (NM_133437.4); short protein forms Q25521E, Q25396E, Q25588E, Q31893E, Q34461E, Q32820E.
Identifiers: ClinVar variation 1759826 (VCV001759826.2), dbSNP rs2468484823, ClinGen allele CA349414404.

ClinVar aggregate classification (germline): Uncertain significance (1 of 4 stars; one submission).

Conditions:
Cardiovascular phenotype. Identifiers: MedGen CN230736.

Submission:

Ambry Genetics
Classification: Uncertain significance for Cardiovascular phenotype. Last evaluated: 2020-02-06. Review status: criteria provided, single submitter. Criteria: Ambry Variant Classification Scheme 2023. Collection method: clinical testing. Allele origin: germline.
Comment: The p.Q25396E variant (also known as c.76186C>G), located in coding exon 185 of the TTN gene, results from a C to G substitution at nucleotide position 76186. The glutamine at codon 25396 is replaced by glutamic acid, an amino acid with highly similar properties. This amino acid position is not well conserved in available vertebrate species. In addition, this alteration is predicted to be tolerated by in silico analysis. Since supporting evidence is limited at this time, the clinical significance of this alteration remains unclear.